The following is an entry in ClinVar:

ClinVar aggregate classification (germline): Uncertain significance. Review status: criteria provided, multiple submitters, no conflicts (2 of 4 stars). 3 submissions from 3 submitters: Uncertain significance (3). Last evaluated 2022-07-20.

Conditions:
Hereditary nonpolyposis colon cancer (HNPCC). Also called: Hereditary Nonpolyposis Colorectal Cancer Syndrome; Hereditary nonpolyposis colorectal cancer; Familial nonpolyposis colon cancer. Identifiers: Orphanet 443909, MedGen C1333990, MONDO:0018630. Disease mechanism: loss of function.
Hereditary cancer-predisposing syndrome. Also called: Neoplastic Syndromes, Hereditary; Tumor predisposition; Hereditary Cancer Syndrome; Hereditary neoplastic syndrome. Identifiers: Orphanet 140162, MedGen C0027672, MeSH D009386, MONDO:0015356.
Familial cancer of breast. Also called: Hereditary breast cancer; BREAST CANCER, FAMILIAL; hereditary breast carcinoma. Identifiers: Orphanet 227535, MedGen C0346153, MONDO:0016419, OMIM 114480. Disease mechanism: loss of function.

Allele frequency attached by ClinVar (database versions not stated): ExAC 0.00002.

Submissions (3):

MGZ Medical Genetics Center
Classification: Uncertain significance for Familial cancer of breast. Last evaluated: 2022-07-20. Review status: criteria provided, single submitter. Criteria: ACMG Guidelines, 2015. Collection method: clinical testing. Allele origin: germline. Affected: yes. Observed: 1 variant allele.
Comment: ACMG criteria applied: PM2_SUP, BP4

Department of Pathology and Laboratory Medicine, Sinai Health System
Classification: Uncertain significance for hereditary nonpolyposis colon cancer. Last evaluated: 2021-10-22. Review status: criteria provided, single submitter. Criteria: ACMG Guidelines, 2015. Collection method: clinical testing. Allele origin: germline. Affected: no.

Ambry Genetics
Classification: Uncertain significance for Hereditary cancer-predisposing syndrome. Last evaluated: 2018-06-08. Review status: criteria provided, single submitter. Criteria: Ambry Variant Classification Scheme 2023. Collection method: clinical testing. Allele origin: germline.
Comment: The p.R519G variant (also known as c.1555C>G), located in coding exon 14 of the CHEK2 gene, results from a C to G substitution at nucleotide position 1555. The arginine at codon 519 is replaced by glycine, an amino acid with dissimilar properties. This amino acid position is not well conserved in available vertebrate species. In addition, this alteration is predicted to be tolerated by in silico analysis. Since supporting evidence is limited at this time, the clinical significance of this alteration remains unclear.

NM_007194.4(CHEK2):c.1555C>G (p.Arg519Gly)

Gene: CHEK2 (checkpoint kinase 2; minus strand). Cytogenetic location: 22q12.1.
Variant type: single nucleotide variant.
Coding change: c.1555C>G on transcript NM_007194.4 (MANE Select); coding-DNA position 1555, C replaced by G.
Protein change: p.Arg519Gly; replaces arginine 519 with glycine.
Molecular consequence: missense variant.
Genome position (GRCh38, 1-based): chr22:28,687,974, G>C on the plus strand (C>G on the coding strand, the complement: CHEK2 is on the minus strand). VCF-style: chr22-28687974-G-C. GRCh37 (hg19) VCF-style: chr22-29083962-G-C.
Other names: c.1555C>G (NM_007194.3); c.1684C>G, p.Arg562Gly (NM_001005735.3); c.892C>G, p.Arg298Gly (NM_001257387.3); c.1354C>G, p.Arg452Gly (NM_001349956.3); c.1468C>G, p.Arg490Gly (NM_145862.3); short protein forms R298G, R452G, R490G, R519G, R562G.
Identifiers: ClinVar variation 1709639 (VCV001709639.5), dbSNP rs200432447, ClinGen allele CA10167610.